The following is an entry in ClinVar:

ClinVar aggregate classification (germline): Uncertain significance (1 of 4 stars; one submission).

Submission:

Labcorp Genetics (formerly Invitae), Labcorp
Classification: Uncertain significance. Last evaluated: 2022-05-25. Review status: criteria provided, single submitter. Criteria: Invitae Variant Classification Sherloc (09022015). Collection method: clinical testing. Allele origin: germline.
Comment: In summary, the available evidence is currently insufficient to determine the role of this variant in disease. Therefore, it has been classified as a Variant of Uncertain Significance. Algorithms developed to predict the effect of missense changes on protein structure and function are either unavailable or do not agree on the potential impact of this missense change (SIFT: "Deleterious"; PolyPhen-2: "Possibly Damaging"; Align-GVGD: "Class C0"). This variant has not been reported in the literature in individuals affected with TNFRSF11A-related conditions. This variant is not present in population databases (gnomAD no frequency). This sequence change replaces lysine, which is basic and polar, with glutamic acid, which is acidic and polar, at codon 90 of the TNFRSF11A protein (p.Lys90Glu).

NM_003839.4(TNFRSF11A):c.268A>G (p.Lys90Glu)

Gene: TNFRSF11A (TNF receptor superfamily member 11a; plus strand). Cytogenetic location: 18q21.33.
Variant type: single nucleotide variant.
Coding change: c.268A>G on transcript NM_003839.4 (MANE Select); coding-DNA position 268, A replaced by G.
Protein change: p.Lys90Glu; replaces lysine 90 with glutamic acid.
Molecular consequence: missense variant.
Genome position (GRCh38, 1-based): chr18:62,349,922, A>G. VCF-style: chr18-62349922-A-G. GRCh37 (hg19) VCF-style: chr18-60017155-A-G.
Other names: c.268A>G, p.Lys90Glu (NM_001270949.2, NM_001270950.2, NM_001270951.2 and 1 more transcripts); short protein forms K90E.
Identifiers: ClinVar variation 1914660 (VCV001914660.5), dbSNP rs2145295176, ClinGen allele CA402611063.